The following is an entry in ClinVar:

ClinVar aggregate classification (germline): Uncertain significance (1 of 4 stars; one submission).

Conditions:
Hereditary hemorrhagic telangiectasia (HHT). Also called: ORW DISEASE; Osler Weber Rendu syndrome; OSLER-RENDU-WEBER DISEASE; Osler hemorrhagic telangiectasia syndrome. Identifiers: Orphanet 774, MedGen C0039445, MONDO:0019180. Disease mechanism: loss of function.

Allele frequency attached by ClinVar (database versions not stated): gnomAD 0.00001; gnomAD exomes 0.00001.
gnomAD v4.1: 5 of 1,587,138 alleles (0.00032%); no homozygotes.

Submission:

Labcorp Genetics (formerly Invitae), Labcorp
Classification: Uncertain significance for Hereditary hemorrhagic telangiectasia. Last evaluated: 2023-12-05. Review status: criteria provided, single submitter. Criteria: Invitae Variant Classification Sherloc (09022015). Collection method: clinical testing. Allele origin: germline.
Comment: This variant occurs in a non-coding region of the ENG gene. It does not change the encoded amino acid sequence of the ENG protein. The frequency data for this variant in the population databases is considered unreliable, as metrics indicate poor data quality at this position in the gnomAD database. This variant has not been reported in the literature in individuals affected with ENG-related conditions. In summary, the available evidence is currently insufficient to determine the role of this variant in disease. Therefore, it has been classified as a Variant of Uncertain Significance.

NM_001114753.3(ENG):c.-2G>T

Gene: ENG (endoglin; minus strand). Cytogenetic location: 9q34.11.
Variant type: single nucleotide variant.
Coding change: c.-2G>T on transcript NM_001114753.3 (MANE Select); 2 bases upstream of the start codon, G replaced by T.
Molecular consequence: 5 prime UTR variant.
Genome position (GRCh38, 1-based): chr9:127,854,357, C>A on the plus strand (G>T on the coding strand, the complement: ENG is on the minus strand). VCF-style: chr9-127854357-C-A. GRCh37 (hg19) VCF-style: chr9-130616636-C-A.
Other names: c.-2G>T (NM_000118.4, NM_001406715.1).
Identifiers: ClinVar variation 2761925 (VCV002761925.3), dbSNP rs1417800476, ClinGen allele CA590606748.